The following is an entry in ClinVar:

ClinVar aggregate classification (germline): Uncertain significance (1 of 4 stars; one submission).

Submission:

Ambry Genetics
Classification: Uncertain significance. Last evaluated: 2024-09-24. Review status: criteria provided, single submitter. Criteria: Ambry Variant Classification Scheme 2023. Collection method: clinical testing. Allele origin: germline.
Comment: The p.E369V variant (also known as c.1106A>T), located in coding exon 11 of the KIF1B gene, results from an A to T substitution at nucleotide position 1106. The glutamic acid at codon 369 is replaced by valine, an amino acid with dissimilar properties. This amino acid position is conserved. In addition, this alteration is predicted to be deleterious by in silico analysis. Based on the available evidence, the clinical significance of this variant remains unclear.

NM_001365951.3(KIF1B):c.1124A>T (p.Glu375Val)

Gene: KIF1B (kinesin family member 1B; plus strand). Cytogenetic location: 1p36.22.
Variant type: single nucleotide variant.
Coding change: c.1124A>T on transcript NM_001365951.3 (MANE Select); coding-DNA position 1124, A replaced by T.
Protein change: p.Glu375Val; replaces glutamic acid 375 with valine.
Molecular consequence: missense variant.
Genome position (GRCh38, 1-based): chr1:10,278,072, A>T. VCF-style: chr1-10278072-A-T. GRCh37 (hg19) VCF-style: chr1-10338130-A-T.
Other names: c.1124A>T, p.Glu375Val (NM_001365952.1); c.1106A>T, p.Glu369Val (NM_001365953.1, NM_015074.3, NM_183416.4); short protein forms E369V, E375V.
Identifiers: ClinVar variation 3534029 (VCV003534029.1).